The following is an entry in ClinVar:

NM_000069.3(CACNA1S):c.2629G>A (p.Ala877Thr)

Gene: CACNA1S (calcium voltage-gated channel subunit alpha1 S; minus strand). Cytogenetic location: 1q32.1.
Variant type: single nucleotide variant.
Coding change: c.2629G>A on transcript NM_000069.3 (MANE Select); coding-DNA position 2629, G replaced by A.
Protein change: p.Ala877Thr; replaces alanine 877 with threonine.
Molecular consequence: missense variant.
Genome position (GRCh38, 1-based): chr1:201,066,915, C>T on the plus strand (G>A on the coding strand, the complement: CACNA1S is on the minus strand). VCF-style: chr1-201066915-C-T. GRCh37 (hg19) VCF-style: chr1-201036043-C-T.
Other names: short protein forms A877T.
Identifiers: ClinVar variation 2926674 (VCV002926674.3), dbSNP rs1661265472, ClinGen allele CA344103784.

ClinVar aggregate classification (germline): Uncertain significance (1 of 4 stars; one submission).

Conditions:
Malignant hyperthermia, susceptibility to, 5 (MHS5). Also called: CACNA1S-Related Malignant Hyperthermia Susceptibility. Identifiers: Orphanet 423, MedGen C1866077, MONDO:0011163, OMIM 601887.
Hypokalemic periodic paralysis, type 1. Also called: Hypokalemic Periodic Paralysis Type 1 (AD); HypoPP. Identifiers: Orphanet 681, MedGen C3714580, MONDO:0042979, OMIM 170400.

Submission:

Labcorp Genetics (formerly Invitae), Labcorp
Classification: Uncertain significance for Hypokalemic periodic paralysis, type 1; Malignant hyperthermia, susceptibility to, 5. Last evaluated: 2023-12-26. Review status: criteria provided, single submitter. Criteria: Invitae Variant Classification Sherloc (09022015). Collection method: clinical testing. Allele origin: germline.
Comment: This sequence change replaces alanine, which is neutral and non-polar, with threonine, which is neutral and polar, at codon 877 of the CACNA1S protein (p.Ala877Thr). This variant is not present in population databases (gnomAD no frequency). This variant has not been reported in the literature in individuals affected with CACNA1S-related conditions. Advanced modeling of protein sequence and biophysical properties (such as structural, functional, and spatial information, amino acid conservation, physicochemical variation, residue mobility, and thermodynamic stability) performed at Invitae indicates that this missense variant is not expected to disrupt CACNA1S protein function with a negative predictive value of 80%. In summary, the available evidence is currently insufficient to determine the role of this variant in disease. Therefore, it has been classified as a Variant of Uncertain Significance.